The following is an entry in ClinVar:

NM_024426.6(WT1):c.181_182delinsTA (p.Arg61Ter)

Genes: WT1 (WT1 transcription factor; minus strand), LOC107982234 (WT1/WT1-AS bi-directional promoter region; plus strand). Cytogenetic location: 11p13.
Variant type: Indel.
Coding change: c.181_182delinsTA on transcript NM_024426.6 (MANE Select); coding-DNA positions 181 to 182, CG replaced by TA.
Protein change: p.Arg61Ter; replaces arginine 61 with a stop codon.
Molecular consequence: nonsense. On other transcripts: non-coding transcript variant (2).
Genome position (GRCh38, 1-based): chr11:32,435,179-32,435,180, CG replaced by TA on the plus strand (CG replaced by TA on the coding strand, the reverse complement: WT1 is on the minus strand). VCF-style: chr11-32435179-CG-TA. GRCh37 (hg19) VCF-style: chr11-32456725-CG-TA.
Other names: c.181_182delinsTA, p.Arg61Ter (NM_000378.6, NM_001407044.1, NM_001407045.1 and 6 more transcripts); c.166_167delCGinsTA, p.Arg56Ter (NM_024425.2); short protein forms R56*, R61*.
Identifiers: ClinVar variation 2941271 (VCV002941271.3), dbSNP rs2494487206, ClinGen allele CA2740093683.
Genomic context (GRCh38, chr11:32,435,179, plus strand): 5'-AGGTCCCGCACGTCGGAGCCCATTTGCTGCGGCTCAGACCCGGACGCCCCGCGGCTCCTC[CG>TA]GCCCTGGAGACGTTCAGCGCTGGCCTCGGCGGCGCCTAACTTGGCCCAGATGCCGCCCGG-3'

ClinVar aggregate classification (germline): Uncertain significance (1 of 4 stars; one submission).

Conditions:
Frasier syndrome. Identifiers: Orphanet 347, MedGen C0950122, MeSH D052159, MONDO:0007635, OMIM 136680.
Drash syndrome (DDS). Also called: NEPHROPATHY, WILMS TUMOR, AND GENITAL ANOMALIES; WILMS TUMOR AND PSEUDO- OR TRUE HERMAPHRODITISM. Identifiers: Orphanet 220, MedGen C0950121, MONDO:0008682, OMIM 194080.
Wilms tumor 1 (WT1). Also called: Wilms tumor, somatic. Identifiers: Orphanet 654, MedGen CN033288, MONDO:0008679, OMIM 194070.
11p partial monosomy syndrome (WAGR). Also called: CHROMOSOME 11p13 DELETION SYNDROME; WAGR syndrome; WAGR Complex; WAGR Spectrum Disorder. Identifiers: Orphanet 893, MedGen C0206115, MONDO:0008681, OMIM 194072.

Submission:

Labcorp Genetics (formerly Invitae), Labcorp
Classification: Uncertain significance for Wilms tumor 1; Drash syndrome; 11p partial monosomy syndrome; Frasier syndrome. Last evaluated: 2022-11-03. Review status: criteria provided, single submitter. Criteria: Invitae Variant Classification Sherloc (09022015). Collection method: clinical testing. Allele origin: germline.
Comment: This sequence change creates a premature translational stop signal (p.Arg56*) in the WT1 gene. It is unclear whether it will result in an absent or disrupted protein product because a major initiation site located at codon 69 has the potential to rescue this variant. Information on the frequency of this variant in the gnomAD database is not available, as this variant may be reported differently in the database. This variant has not been reported in the literature in individuals affected with WT1-related conditions. In summary, the available evidence is currently insufficient to determine the role of this variant in disease. Therefore, it has been classified as a Variant of Uncertain Significance. Downstream of the non-canonical translation start site (CTG) at codon 1, the nearest methionine codon that can be used to initiate translation of the WT1 protein lies at codon 69. This downstream in-frame ATG is known as a major initiation site (PMID: 28811308, 16987884, 8621495). The functional significance of the different WT1 protein isoforms is unknown (PMID: 8621495), however mice lacking the N-terminal 68 amino acids develop normally and are fertile (PMID: 12640141). Based on these results, the impact of this variant on WT1 protein function is uncertain.

Literature cited by the submitters: PubMed 28811308; PubMed 16987884; PubMed 8621495; PubMed 12640141.